The following is an entry in ClinVar:

ClinVar aggregate classification (germline): Uncertain significance (1 of 4 stars; one submission).

Conditions:
Nephronophthisis. Also called: Juvenile Nephronophthisis. Identifiers: Orphanet 655, MedGen C0687120, MONDO:0019005, HP:0000090.

Submission:

Labcorp Genetics (formerly Invitae), Labcorp
Classification: Uncertain significance for Nephronophthisis. Last evaluated: 2024-10-08. Review status: criteria provided, single submitter. Criteria: Invitae Variant Classification Sherloc (09022015). Collection method: clinical testing. Allele origin: germline.
Comment: This sequence change falls in intron 11 of the INVS gene. It does not directly change the encoded amino acid sequence of the INVS protein. It affects a nucleotide within the consensus splice site. This variant is not present in population databases (gnomAD no frequency). This variant has been observed in individual(s) with INVS-related conditions (internal data). ClinVar contains an entry for this variant (Variation ID: 531626). Variants that disrupt the consensus splice site are a relatively common cause of aberrant splicing (PMID: 17576681, 9536098). Algorithms developed to predict the effect of sequence changes on RNA splicing suggest that this variant may disrupt the consensus splice site. In summary, the available evidence is currently insufficient to determine the role of this variant in disease. Therefore, it has been classified as a Variant of Uncertain Significance.

Literature cited by the submitters: PubMed 17576681; PubMed 9536098.

NM_014425.5(INVS):c.1571+2dup

Gene: INVS (inversin; plus strand). Cytogenetic location: 9q31.1.
Variant type: Duplication.
Coding change: c.1571+2dup on transcript NM_014425.5 (MANE Select); the canonical splice donor site of the intron after coding-DNA position 1571, one base duplicated (T; older notation c.1571+2dupT).
Molecular consequence: splice donor variant.
Genome position (GRCh38, 1-based): chr9:100,264,930, T duplicated. VCF-style (leftmost placement, unchanged base first): chr9-100264929-G-GT. GRCh37 (hg19) VCF-style: chr9-103027211-G-GT.
Other names: c.1283+2dup (NM_001318381.2); c.593+2dup (NM_001318382.2).
Identifiers: ClinVar variation 531626 (VCV000531626.7), dbSNP rs1554728033, ClinGen allele CA658797259.